The following is an entry in ClinVar:

NM_018367.7(ACER3):c.179A>G (p.Glu60Gly)

Gene: ACER3 (alkaline ceramidase 3; plus strand). Cytogenetic location: 11q13.5.
Variant type: single nucleotide variant.
Coding change: c.179A>G on transcript NM_018367.7 (MANE Select); coding-DNA position 179, A replaced by G.
Protein change: p.Glu60Gly; replaces glutamic acid 60 with glycine.
Molecular consequence: missense variant. On other transcripts: 5 prime UTR variant (2), intron variant (1).
Genome position (GRCh38, 1-based): chr11:76,926,632, A>G. VCF-style: chr11-76926632-A-G. GRCh37 (hg19) VCF-style: chr11-76637676-A-G.
Other names: c.-178A>G (NM_001300954.2); c.-54A>G (NM_001300955.2); c.104-32347A>G (NM_001300953.2); short protein forms E60G.
Identifiers: ClinVar variation 4745015 (VCV004745015.1).

ClinVar aggregate classification (germline): Uncertain significance (1 of 4 stars; one submission).

Submission:

Labcorp Genetics (formerly Invitae), Labcorp
Classification: Uncertain significance. Last evaluated: 2025-09-09. Review status: criteria provided, single submitter. Criteria: Invitae Variant Classification Sherloc (09022015). Collection method: clinical testing. Allele origin: germline.
Comment: This sequence change replaces glutamic acid, which is acidic and polar, with glycine, which is neutral and non-polar, at codon 60 of the ACER3 protein (p.Glu60Gly). This variant is not present in population databases (gnomAD no frequency). This variant has not been reported in the literature in individuals affected with ACER3-related conditions. Invitae Evidence Modeling of protein sequence and biophysical properties (such as structural, functional, and spatial information, amino acid conservation, physicochemical variation, residue mobility, and thermodynamic stability) indicates that this missense variant is not expected to disrupt ACER3 protein function with a negative predictive value of 80%. In summary, the available evidence is currently insufficient to determine the role of this variant in disease. Therefore, it has been classified as a Variant of Uncertain Significance.